The following is an entry in ClinVar:

NM_002460.4(IRF4):c.1135C>A (p.Pro379Thr)

Genes: IRF4 (interferon regulatory factor 4; plus strand), LOC129995575 (ATAC-STARR-seq lymphoblastoid active region 23845; plus strand). Cytogenetic location: 6p25.3.
Variant type: single nucleotide variant.
Coding change: c.1135C>A on transcript NM_002460.4 (MANE Select); coding-DNA position 1135, C replaced by A.
Protein change: p.Pro379Thr; replaces proline 379 with threonine.
Molecular consequence: missense variant. On other transcripts: non-coding transcript variant (1).
Genome position (GRCh38, 1-based): chr6:405,053, C>A. VCF-style: chr6-405053-C-A. GRCh37 (hg19) VCF-style: chr6-405053-C-A.
Other names: c.1132C>A, p.Pro378Thr (NM_001195286.2); short protein forms P378T, P379T.
Identifiers: ClinVar variation 3643995 (VCV003643995.2).

ClinVar aggregate classification (germline): Uncertain significance (1 of 4 stars; one submission).

gnomAD v4.1: 2 of 1,613,998 alleles (0.00012%); highest among the groups gnomAD compares: Non-Finnish European, 0.00017%; no homozygotes.

Submission:

Labcorp Genetics (formerly Invitae), Labcorp
Classification: Uncertain significance. Last evaluated: 2024-03-02. Review status: criteria provided, single submitter. Criteria: Invitae Variant Classification Sherloc (09022015). Collection method: clinical testing. Allele origin: germline.
Comment: This sequence change replaces proline, which is neutral and non-polar, with threonine, which is neutral and polar, at codon 379 of the IRF4 protein (p.Pro379Thr). This variant is present in population databases (no rsID available, gnomAD 0.0009%). This variant has not been reported in the literature in individuals affected with IRF4-related conditions. An algorithm developed to predict the effect of missense changes on protein structure and function (PolyPhen-2) suggests that this variant is likely to be disruptive. In summary, the available evidence is currently insufficient to determine the role of this variant in disease. Therefore, it has been classified as a Variant of Uncertain Significance.